The following is an entry in ClinVar:

NM_004972.4(JAK2):c.1936A>C (p.Asn646His)

Genes: INSL6 (insulin like 6; minus strand), JAK2 (Janus kinase 2; plus strand). Cytogenetic location: 9p24.1.
Variant type: single nucleotide variant.
Coding change: c.1936A>C on transcript NM_004972.4 (MANE Select); coding-DNA position 1936, A replaced by C.
Protein change: p.Asn646His; replaces asparagine 646 with histidine.
Molecular consequence: missense variant. On other transcripts: non-coding transcript variant (2).
Genome position (GRCh38, 1-based): chr9:5,077,524, A>C. VCF-style: chr9-5077524-A-C. GRCh37 (hg19) VCF-style: chr9-5077524-A-C.
Other names: p.Asn646His; c.1936A>C, p.Asn646His (NM_001322194.2, NM_001322195.2, NM_001322196.2); c.721A>C, p.Asn241His (NM_001322198.2, NM_001322199.2); c.1489A>C, p.Asn497His (NM_001322204.2); short protein forms N646H, N497H, N241H.
Identifiers: ClinVar variation 2397682 (VCV002397682.7), dbSNP rs765546535, ClinGen allele CA4972008.

ClinVar aggregate classification (germline): Uncertain significance. Review status: criteria provided, multiple submitters, no conflicts (2 of 4 stars). 3 submissions from 3 submitters: Uncertain significance (3). Last evaluated 2025-10-18.

Conditions:
Inborn genetic diseases. Identifiers: MedGen C0950123, MeSH D030342.

Allele frequency attached by ClinVar (database versions not stated): gnomAD 0.00001; ExAC 0.00004; TOPMed below 0.00001; gnomAD exomes 0.00004.
gnomAD v4.1: 50 of 1,479,452 alleles (0.0034%); highest among the groups gnomAD compares: Non-Finnish European, 0.0045%; 1 homozygote.

Submissions (3):

Labcorp Genetics (formerly Invitae), Labcorp
Classification: Uncertain significance. Last evaluated: 2025-10-18. Review status: criteria provided, single submitter. Criteria: Invitae Variant Classification Sherloc (09022015). Collection method: clinical testing. Allele origin: germline.
Comment: This sequence change replaces asparagine, which is neutral and polar, with histidine, which is basic and polar, at codon 646 of the JAK2 protein (p.Asn646His). This variant is present in population databases (rs765546535, gnomAD 0.007%). This variant has not been reported in the literature in individuals affected with JAK2-related conditions. ClinVar contains an entry for this variant (Variation ID: 2397682). Invitae Evidence Modeling of protein sequence and biophysical properties (such as structural, functional, and spatial information, amino acid conservation, physicochemical variation, residue mobility, and thermodynamic stability) indicates that this missense variant is expected to disrupt JAK2 protein function with a positive predictive value of 80%. In summary, the available evidence is currently insufficient to determine the role of this variant in disease. Therefore, it has been classified as a Variant of Uncertain Significance.

Ambry Genetics
Classification: Uncertain significance for Inborn genetic diseases. Last evaluated: 2025-08-24. Review status: criteria provided, single submitter. Criteria: Ambry Variant Classification Scheme 2023. Collection method: clinical testing. Allele origin: germline.

Mayo Clinic Laboratories, Mayo Clinic
Classification: Uncertain significance. Last evaluated: 2025-06-03. Review status: criteria provided, single submitter. Criteria: ACMG Guidelines, 2015. Collection method: clinical testing. Allele origin: germline. Observed: 1 variant allele.
Comment: PM2_supporting